The following is an entry in ClinVar:

NM_000051.4(ATM):c.1368A>G (p.Leu456=)

Gene: ATM (ATM serine/threonine kinase; plus strand). Cytogenetic location: 11q22.3.
Variant type: single nucleotide variant.
Coding change: c.1368A>G on transcript NM_000051.4 (MANE Select); coding-DNA position 1368, A replaced by G.
Protein change: p.Leu456=; no amino-acid change (leucine 456 retained).
Molecular consequence: synonymous variant.
Genome position (GRCh38, 1-based): chr11:108,250,833, A>G. VCF-style: chr11-108250833-A-G. GRCh37 (hg19) VCF-style: chr11-108121560-A-G.
Other names: p.Leu456=; c.1368A>G, p.Leu456= (NM_001351834.2); c.1368A>G (NM_000051.2).
Identifiers: ClinVar variation 233615 (VCV000233615.29), dbSNP rs750579940, ClinGen allele CA6264807.
Genomic context (GRCh38, chr11:108,250,833, plus strand): 5'-GATGATACTATCTCAGCTTCTACCCCAACAGCGACATGGGGAACGTACACCATATGTGTT[A>G]CGATGCCTTACGGAAGTTGCATTGTGTCAAGACAAGAGGTCAAACCTAGAAAGCTCACAA-3'
Protein context (NP_000042.3, residues 446-466): QRHGERTPYV[Leu456=]RCLTEVALCQ

ClinVar aggregate classification (germline): Benign/Likely benign. Review status: criteria provided, multiple submitters, no conflicts (2 of 4 stars). 11 submissions from 11 submitters: Benign (1); Likely benign (9). 1 of the submissions does not count toward it. Last evaluated 2026-01-12.

Conditions:
Breast and/or ovarian cancer. Identifiers: MedGen CN221562.
Hereditary cancer-predisposing syndrome. Also called: Tumor predisposition; Hereditary Cancer Syndrome; Hereditary neoplastic syndrome; Neoplastic Syndromes, Hereditary. Identifiers: Orphanet 140162, MedGen C0027672, MeSH D009386, MONDO:0015356.
Familial cancer of breast. Also called: hereditary breast carcinoma; BREAST CANCER, FAMILIAL; Hereditary breast cancer. Identifiers: Orphanet 227535, MedGen C0346153, MONDO:0016419, OMIM 114480. Disease mechanism: loss of function.
Ataxia-telangiectasia syndrome (AT). Also called: Ataxia telangiectasia (A-T); LOUIS-BAR SYNDROME; Cerebello-oculocutaneous telangiectasia; Immunodeficiency with ataxia telangiectasia; ATAXIA-TELANGIECTASIA, COMPLEMENTATION GROUP A; ATAXIA-TELANGIECTASIA, FRESNO VARIANT. Identifiers: Orphanet 100, MedGen C0004135, MONDO:0008840, OMIM 208900.

Allele frequency attached by ClinVar (database versions not stated): TOPMed below 0.00001; gnomAD exomes 0.00001 and 0.00003; ExAC 0.00002.
gnomAD v4.1: 13 of 1,614,192 alleles (0.00081%); highest among the groups gnomAD compares: East Asian, 0.029%; no homozygotes.

Submissions (11):

Labcorp Genetics (formerly Invitae), Labcorp
Classification: Likely benign for Ataxia-telangiectasia syndrome. Last evaluated: 2026-01-12. Review status: criteria provided, single submitter. Criteria: Invitae Variant Classification Sherloc (09022015). Collection method: clinical testing. Allele origin: germline.

Quest Diagnostics Nichols Institute San Juan Capistrano
Classification: Likely benign. Last evaluated: 2025-07-31. Review status: criteria provided, single submitter. Criteria: Quest Diagnostics criteria. Collection method: clinical testing. Allele origin: unknown.

Department of Pathology and Laboratory Medicine, Sinai Health System
Classification: Likely benign for Familial cancer of breast. Last evaluated: 2025-02-19. Review status: criteria provided, single submitter. Criteria: ACMG Guidelines, 2015. Collection method: clinical testing. Allele origin: germline. Affected: yes.

Mayo Clinic Laboratories, Mayo Clinic
Classification: Likely benign. Last evaluated: 2025-01-22. Review status: criteria provided, single submitter. Criteria: ACMG Guidelines, 2015. Collection method: clinical testing. Allele origin: germline. Observed: 1 variant allele.
Comment: BP4, BP7

Myriad Genetics, Inc.
Classification: Benign for Familial cancer of breast. Last evaluated: 2024-04-26. Review status: criteria provided, single submitter. Criteria: Myriad Autosomal Dominant, Autosomal Recessive and X-Linked Classification Criteria (2023). Collection method: clinical testing. Allele origin: unknown.
Comment: This variant is considered benign. This variant is a silent/synonymous amino acid change and it is not expected to impact splicing.

CHEO Genetics Diagnostic Laboratory, Children's Hospital of Eastern Ontario
Classification: Likely benign for Breast and/or ovarian cancer. Last evaluated: 2022-12-16. Review status: criteria provided, single submitter. Criteria: ACMG Guidelines, 2015. Collection method: clinical testing. Allele origin: germline.

Women's Health and Genetics/Laboratory Corporation of America, LabCorp
Classification: Likely benign. Last evaluated: 2019-08-21. Review status: criteria provided, single submitter. Criteria: LabCorp Variant Classification Summary - May 2015. Collection method: clinical testing. Allele origin: germline.

Athena Diagnostics
Classification: Likely benign. Last evaluated: 2018-02-28. Review status: criteria provided, single submitter. Criteria: Athena Diagnostics Criteria. Collection method: clinical testing. Allele origin: germline.

Color Diagnostics, LLC DBA Color Health
Classification: Likely benign for Hereditary cancer-predisposing syndrome. Last evaluated: 2017-03-15. Review status: criteria provided, single submitter. Criteria: ACMG Guidelines, 2015. Collection method: clinical testing. Allele origin: germline.

Ambry Genetics
Classification: Likely benign for Hereditary cancer-predisposing syndrome. Last evaluated: 2015-08-31. Review status: criteria provided, single submitter. Criteria: Ambry Variant Classification Scheme 2023. Collection method: clinical testing. Allele origin: germline.

Natera, Inc.
Classification: Likely benign for Ataxia-telangiectasia. Last evaluated: 2020-03-13. Review status: no assertion criteria provided. Collection method: clinical testing. Allele origin: germline. Not counted in ClinVar's aggregate classification.